The following is an entry in ClinVar:

NM_024876.4(COQ8B):c.1209+124C>T

Gene: COQ8B (coenzyme Q8B; minus strand). Cytogenetic location: 19q13.2.
Variant type: single nucleotide variant.
Coding change: c.1209+124C>T on transcript NM_024876.4 (MANE Select); 124 bases into the intron after coding-DNA position 1209, C replaced by T.
Molecular consequence: intron variant.
Genome position (GRCh38, 1-based): chr19:40,695,865, G>A on the plus strand (C>T on the coding strand, the complement: COQ8B is on the minus strand). VCF-style: chr19-40695865-G-A. GRCh37 (hg19) VCF-style: chr19-41201770-G-A.
Other names: c.1086+124C>T (NM_001142555.3).
Identifiers: ClinVar variation 678205 (VCV000678205.1), dbSNP rs182723600, ClinGen allele CA308437489.

ClinVar aggregate classification (germline): Likely benign (1 of 4 stars; one submission).

Allele frequency attached by ClinVar (database versions not stated): 1000 Genomes Project 0.00339; 1000 Genomes Project 30x 0.00344; TOPMed 0.00725; gnomAD 0.00897 and 0.00931.
gnomAD v4.1: 10,716 of 996,428 alleles (1.1%); highest among the groups gnomAD compares: Non-Finnish European, 1.4%; 103 homozygotes.

Submission:

GeneDx
Classification: Likely benign. Last evaluated: 2018-06-14. Review status: criteria provided, single submitter. Criteria: GeneDx Variant Classification (06012015). Collection method: clinical testing. Allele origin: germline. Affected: yes.
Comment: This variant is considered likely benign or benign based on one or more of the following criteria: it is a conservative change, it occurs at a poorly conserved position in the protein, it is predicted to be benign by multiple in silico algorithms, and/or has population frequency not consistent with disease.